The following is an entry in ClinVar:

NM_001166114.2(PNPLA6):c.2566C>T (p.Arg856Cys)

Gene: PNPLA6 (patatin like domain 6, lysophospholipase; plus strand). Cytogenetic location: 19p13.2.
Variant type: single nucleotide variant.
Coding change: c.2566C>T on transcript NM_001166114.2 (MANE Select); coding-DNA position 2566, C replaced by T.
Protein change: p.Arg856Cys; replaces arginine 856 with cysteine.
Molecular consequence: missense variant.
Genome position (GRCh38, 1-based): chr19:7,554,655, C>T. VCF-style: chr19-7554655-C-T. GRCh37 (hg19) VCF-style: chr19-7619541-C-T.
Other names: c.2596C>T, p.Arg866Cys (NM_001166111.2); c.2371C>T, p.Arg791Cys (NM_001166112.2); c.2452C>T, p.Arg818Cys (NM_001166113.1, NM_006702.5); short protein forms R856C, R866C, R791C, R818C.
Identifiers: ClinVar variation 1502626 (VCV001502626.6), dbSNP rs755352257, ClinGen allele CA9140153.
Genomic context (GRCh38, chr19:7,554,655, plus strand): 5'-GAGGATGCACACCGTATCGTACTCTACCAGACGGACGCCTCGCTGACGCCCTGGACCGTG[C>T]GCTGCCTGCGACAGGCCGACTGCATCCTCATTGTGGGCCTGGGGGACCAGGAGCCTACCC-3'
Protein context (NP_001159586.1, residues 846-866): TDASLTPWTV[Arg856Cys]CLRQADCILI

ClinVar aggregate classification (germline): Uncertain significance (1 of 4 stars; one submission).

Conditions:
Hereditary spastic paraplegia 39 (SPG39). Also called: Spastic Paraplegia Type 39 (SPG39); SPASTIC PARAPLEGIA 39, AUTOSOMAL RECESSIVE. Identifiers: Orphanet 139480, MedGen C2677586, MONDO:0012787, OMIM 612020.

Allele frequency attached by ClinVar (database versions not stated): gnomAD exomes below 0.00001; ExAC 0.00001.
gnomAD v4.1: 1 of 1,613,950 alleles (0.000062%); highest among the groups gnomAD compares: Non-Finnish European, 0.000085%; no homozygotes.

Submission:

Labcorp Genetics (formerly Invitae), Labcorp
Classification: Uncertain significance for Hereditary spastic paraplegia 39. Last evaluated: 2021-09-14. Review status: criteria provided, single submitter. Criteria: Invitae Variant Classification Sherloc (09022015). Collection method: clinical testing. Allele origin: germline.
Comment: In summary, the available evidence is currently insufficient to determine the role of this variant in disease. Therefore, it has been classified as a Variant of Uncertain Significance. Algorithms developed to predict the effect of missense changes on protein structure and function (SIFT, PolyPhen-2, Align-GVGD) all suggest that this variant is likely to be disruptive. This variant has not been reported in the literature in individuals affected with PNPLA6-related conditions. This variant is present in population databases (rs755352257, ExAC 0.002%). This sequence change replaces arginine with cysteine at codon 818 of the PNPLA6 protein (p.Arg818Cys). The arginine residue is highly conserved and there is a large physicochemical difference between arginine and cysteine.